The following is an entry in ClinVar:

NM_000059.4(BRCA2):c.2523del (p.Arg841_Val842insTer)

Gene: BRCA2 (BRCA2 DNA repair associated; plus strand). Cytogenetic location: 13q13.1.
Variant type: Deletion.
Coding change: c.2523del on transcript NM_000059.4 (MANE Select); coding-DNA position 2523, one base deleted (A; older notation c.2523delA).
Protein change: p.Arg841_Val842insTer.
Molecular consequence: frameshift variant. On other transcripts: non-coding transcript variant (1), intron variant (2).
Genome position (GRCh38, 1-based): chr13:32,336,878, A deleted. VCF-style (leftmost placement, unchanged base first): chr13-32336877-GA-G. GRCh37 (hg19) VCF-style: chr13-32911014-GA-G.
Other names: c.2523del, p.Arg841_Val842insTer (NM_001406719.1, NM_001406720.1); c.1909+3491del (NM_001406721.1); c.424+5848del (NM_001406722.1).
Identifiers: ClinVar variation 2830273 (VCV002830273.3), dbSNP rs2548524190, ClinGen allele CA2739277502.

ClinVar aggregate classification (germline): Pathogenic (1 of 4 stars; one submission).

Conditions:
Hereditary breast ovarian cancer syndrome. Also called: Hereditary breast and ovarian cancer; BRCA1- and BRCA2-Associated Hereditary Breast and Ovarian Cancer; Hereditary breast and ovarian cancer syndrome; Hereditary breast and ovarian cancer syndrome (HBOC); Breast and ovarian cancer; Hereditary breast and/or ovarian cancer syndrome. Identifiers: Orphanet 145, MedGen C0677776, MeSH D061325, MONDO:0003582. Disease mechanism: loss of function.

Submission:

Labcorp Genetics (formerly Invitae), Labcorp
Classification: Pathogenic for Hereditary breast ovarian cancer syndrome. Last evaluated: 2023-01-27. Review status: criteria provided, single submitter. Criteria: Invitae Variant Classification Sherloc (09022015). Collection method: clinical testing. Allele origin: germline.
Comment: For these reasons, this variant has been classified as Pathogenic. This variant has not been reported in the literature in individuals affected with BRCA2-related conditions. This variant is not present in population databases (gnomAD no frequency). This sequence change creates a premature translational stop signal (p.Val842*) in the BRCA2 gene. It is expected to result in an absent or disrupted protein product. Loss-of-function variants in BRCA2 are known to be pathogenic (PMID: 20104584).

Literature cited by the submitters: PubMed 20104584.